The following is an entry in ClinVar:

NM_006231.4(POLE):c.6531+5G>A

Gene: POLE (DNA polymerase epsilon, catalytic subunit; minus strand). Cytogenetic location: 12q24.33.
Variant type: single nucleotide variant.
Coding change: c.6531+5G>A on transcript NM_006231.4 (MANE Select); 5 bases into the intron after coding-DNA position 6531, G replaced by A.
Molecular consequence: intron variant.
Genome position (GRCh38, 1-based): chr12:132,626,112, C>T on the plus strand (G>A on the coding strand, the complement: POLE is on the minus strand). VCF-style: chr12-132626112-C-T. GRCh37 (hg19) VCF-style: chr12-133202698-C-T.
Identifiers: ClinVar variation 439279 (VCV000439279.24), dbSNP rs368538240, ClinGen allele CA6892157.
Genomic context (GRCh38, chr12:132,626,112, plus strand): 5'-AAGACACCGCAGTGCCCTCGGATGTTCTGCTCCACAGTGAAGGGCCCGCTGGAGCTCAGC[C>T]GCACCTCTGAGAAGGAAGAGTCTTTACACAGGTCCAGGTCGCGGCAGAAGTTACAGCTGC-3'

ClinVar aggregate classification (germline): Conflicting classifications of pathogenicity. Review status: criteria provided, conflicting classifications (1 of 4 stars). 7 submissions from 7 submitters: Uncertain significance (5); Likely benign (1). 1 of the submissions does not count toward it. Last evaluated 2026-01-10.

Conditions:
POLE-related disorder. Also called: POLE-related condition; POLE-related disorders.
Colorectal cancer, susceptibility to, 12 (CRCS12). Also called: COLORECTAL CANCER, SUSCEPTIBILITY TO, ON CHROMOSOME 12q24. Identifiers: Orphanet 220460, MedGen C3554460, MONDO:0014038, OMIM 615083.
Facial dysmorphism-immunodeficiency-livedo-short stature syndrome. Also called: Facial dysmorphism, immunodeficiency, livedo, and short stature; FILS syndrome. Identifiers: Orphanet 352712, MedGen C3554576, MONDO:0014058, OMIM 615139.
Intrauterine growth retardation, metaphyseal dysplasia, adrenal hypoplasia congenita, genital anomalies, and immunodeficiency. Also called: IMAGEI SYNDROME. Identifiers: MedGen C5193036, MONDO:0032684, OMIM 618336.
Hereditary cancer-predisposing syndrome. Also called: Hereditary Cancer Syndrome; Tumor predisposition; Hereditary neoplastic syndrome; Neoplastic Syndromes, Hereditary. Identifiers: Orphanet 140162, MedGen C0027672, MeSH D009386, MONDO:0015356.

Allele frequency attached by ClinVar (database versions not stated): gnomAD exomes 0.00001 and 0.00004; ExAC 0.00007; TOPMed 0.00008; gnomAD 0.00011 and 0.00013; ESP Exome Variant Server 0.00015; 1000 Genomes Project 0.00060; 1000 Genomes Project 30x 0.00062.
gnomAD v4.1: 36 of 1,588,608 alleles (0.0023%); highest among the groups gnomAD compares: African/African-American, 0.035%; no homozygotes.

Submissions (7):

Labcorp Genetics (formerly Invitae), Labcorp
Classification: Likely benign. Last evaluated: 2026-01-10. Review status: criteria provided, single submitter. Criteria: Invitae Variant Classification Sherloc (09022015). Collection method: clinical testing. Allele origin: germline.

Ambry Genetics
Classification: Uncertain significance for Hereditary cancer-predisposing syndrome. Last evaluated: 2026-01-07. Review status: criteria provided, single submitter. Criteria: Ambry Variant Classification Scheme 2023. Collection method: clinical testing. Allele origin: germline.
Comment: The c.6531+5G>A intronic variant results from a G to A substitution 5 nucleotides after coding exon 46 in the POLE gene. This nucleotide position is well conserved in available vertebrate species. In silico splice site analysis predicts that this alteration may weaken the native splice donor site. Based on the available evidence, the clinical significance of this variant remains unclear.

GeneDx
Classification: Uncertain significance. Last evaluated: 2025-02-07. Review status: criteria provided, single submitter. Criteria: GeneDx Variant Classification Process June 2021. Collection method: clinical testing. Allele origin: germline. Affected: yes.
Comment: Has not been previously published as pathogenic or benign to our knowledge; In silico analysis is inconclusive as to whether the variant alters gene splicing. In the absence of RNA/functional studies, the actual effect of this sequence change is unknown

PreventionGenetics, part of Exact Sciences
Classification: Uncertain significance for POLE-related condition. Last evaluated: 2024-12-26. Review status: criteria provided, single submitter. Criteria: ACMG Guidelines, 2015. Collection method: clinical testing. Allele origin: germline.
Comment: The POLE c.6531+5G>A variant is predicted to interfere with splicing. According to one splicing algorithm, this variant is predicted to weaken the neighboring canonical donor splice site (SpliceAI, Jaganathan et al. 2019. PubMed ID: 30661751). To our knowledge, this variant has not been reported in the literature. This variant is reported in 0.046% of alleles in individuals of African descent in gnomAD. At this time, the clinical significance of this variant is uncertain due to the absence of conclusive functional and genetic evidence.

Fulgent Genetics
Classification: Uncertain significance for Colorectal cancer, susceptibility to, 12; Facial dysmorphism-immunodeficiency-livedo-short stature syndrome; Intrauterine growth retardation, metaphyseal dysplasia, adrenal hypoplasia congenita, genital anomalies, and immunodeficiency. Last evaluated: 2021-08-12. Review status: criteria provided, single submitter. Criteria: ACMG Guidelines, 2015. Collection method: clinical testing. Allele origin: unknown.

Quest Diagnostics Nichols Institute San Juan Capistrano
Classification: Uncertain significance. Last evaluated: 2017-05-18. Review status: criteria provided, single submitter. Criteria: Quest Diagnostics criteria. Collection method: clinical testing. Allele origin: germline.

Counsyl
Classification: Uncertain significance for Colorectal cancer, susceptibility to, 12. Last evaluated: 2018-05-09. Review status: no assertion criteria provided. Collection method: clinical testing. Allele origin: unknown. Not counted in ClinVar's aggregate classification.